The following is an entry in ClinVar:

ClinVar aggregate classification (germline): Uncertain significance (1 of 4 stars; one submission).

Conditions:
Primary dilated cardiomyopathy (DCM). Also called: Dilated Cardiomyopathy. Identifiers: Orphanet 217604, MedGen C0007193, MeSH D002311, MONDO:0005021, HP:0001644. Inheritance: Various modes of inheritance.

Allele frequency attached by ClinVar (database versions not stated): TOPMed below 0.00001; gnomAD 0.00001; gnomAD exomes 0.00001.

Submission:

Labcorp Genetics (formerly Invitae), Labcorp
Classification: Uncertain significance for Primary dilated cardiomyopathy. Last evaluated: 2026-01-08. Review status: criteria provided, single submitter. Criteria: Invitae Variant Classification Sherloc (09022015). Collection method: clinical testing. Allele origin: germline.
Comment: This sequence change replaces leucine, which is neutral and non-polar, with arginine, which is basic and polar, at codon 35 of the FHL2 protein (p.Leu35Arg). This variant is present in population databases (no rsID available, gnomAD 0.007%). This variant has not been reported in the literature in individuals affected with FHL2-related conditions. ClinVar contains an entry for this variant (Variation ID: 641159). An algorithm developed to predict the effect of missense changes on protein structure and function (PolyPhen-2) suggests that this variant is likely to be disruptive. In summary, the available evidence is currently insufficient to determine the role of this variant in disease. Therefore, it has been classified as a Variant of Uncertain Significance.

NM_001318895.3(FHL2):c.104T>G (p.Leu35Arg)

Gene: FHL2 (four and a half LIM domains 2; minus strand). Cytogenetic location: 2q12.2.
Variant type: single nucleotide variant.
Coding change: c.104T>G on transcript NM_001318895.3 (MANE Select); coding-DNA position 104, T replaced by G.
Protein change: p.Leu35Arg; replaces leucine 35 with arginine.
Molecular consequence: missense variant. On other transcripts: 5 prime UTR variant (3).
Genome position (GRCh38, 1-based): chr2:105,386,413, A>C on the plus strand (T>G on the coding strand, the complement: FHL2 is on the minus strand). VCF-style: chr2-105386413-A-C. GRCh37 (hg19) VCF-style: chr2-106002870-A-C.
Other names: c.104T>G, p.Leu35Arg (NM_001039492.3, NM_001318894.1, NM_001318896.2 and 4 more transcripts); c.-64T>G (NM_001318897.2, NM_001318898.2); c.-343T>G (NM_001318899.2); short protein forms L35R.
Identifiers: ClinVar variation 641159 (VCV000641159.8), dbSNP rs1470032926, ClinGen allele CA348100349.